The following is an entry in ClinVar:

ClinVar aggregate classification (germline): Likely benign. Review status: criteria provided, multiple submitters, no conflicts (2 of 4 stars). 2 submissions from 2 submitters: Likely benign (2). Last evaluated 2025-03-01.

gnomAD v4.1: 505 of 1,613,298 alleles (0.031%); highest among the groups gnomAD compares: Non-Finnish European, 0.041%; no homozygotes.

Submissions (2):

CeGaT Center for Human Genetics Tuebingen
Classification: Likely benign. Last evaluated: 2025-03-01. Review status: criteria provided, single submitter. Criteria: CeGaT Center For Human Genetics Tuebingen Variant Classification Criteria Version 2. Collection method: clinical testing. Allele origin: germline. Affected: yes. Observed: 1 variant allele.
Comment: PIDD1: BP4, BP7

Blueprint Genetics
Classification: Likely benign. Last evaluated: 2024-05-13. Review status: criteria provided, single submitter. Criteria: ACMG Guidelines, 2015. Collection method: clinical testing. Allele origin: germline.

NM_145886.4(PIDD1):c.216C>T (p.His72=)

Gene: PIDD1 (p53-induced death domain protein 1; minus strand). Cytogenetic location: 11p15.5.
Variant type: single nucleotide variant.
Coding change: c.216C>T on transcript NM_145886.4 (MANE Select); coding-DNA position 216, C replaced by T.
Protein change: p.His72=; no amino-acid change (histidine 72 retained).
Molecular consequence: synonymous variant.
Genome position (GRCh38, 1-based): chr11:804,173, G>A on the plus strand (C>T on the coding strand, the complement: PIDD1 is on the minus strand). VCF-style: chr11-804173-G-A. GRCh37 (hg19) VCF-style: chr11-804173-G-A.
Other names: c.216C>T, p.His72= (NM_145887.4).
Identifiers: ClinVar variation 3777875 (VCV003777875.8).